The following is an entry in ClinVar:

ClinVar aggregate classification (germline): Uncertain significance (1 of 4 stars; one submission).

Conditions:
Inborn genetic diseases. Identifiers: MedGen C0950123, MeSH D030342.

Submission:

Ambry Genetics
Classification: Uncertain significance for Inborn genetic diseases. Last evaluated: 2025-10-01. Review status: criteria provided, single submitter. Criteria: Ambry Variant Classification Scheme 2023. Collection method: clinical testing. Allele origin: germline.
Comment: The c.4955C>T (p.T1652M) alteration is located in exon 19 (coding exon 19) of the ARID1B gene. This alteration results from a C to T substitution at nucleotide position 4955, causing the threonine (T) at amino acid position 1652 to be replaced by a methionine (M). Based on data from gnomAD, the T allele has an overall frequency of <0.001% (1/251490) total alleles studied. The highest observed frequency was 0.001% (1/113764) of European (non-Finnish) alleles. Based on insufficient or conflicting evidence, the clinical significance of this alteration remains unclear.

NM_020732.3:c.4955C>T

Gene: ARID1B (AT-rich interaction domain 1B; plus strand).
Variant type: single nucleotide variant.
Other names: c.4955C>T (NM_020732.3).
Identifiers: ClinVar variation 4584791 (VCV004584791.1).